The following is an entry in ClinVar:

NM_000548.5(TSC2):c.1982G>T (p.Gly661Val)

Gene: TSC2 (TSC complex subunit 2; plus strand). Cytogenetic location: 16p13.3.
Variant type: single nucleotide variant.
Coding change: c.1982G>T on transcript NM_000548.5 (MANE Select); coding-DNA position 1982, G replaced by T.
Protein change: p.Gly661Val; replaces glycine 661 with valine.
Molecular consequence: missense variant. On other transcripts: non-coding transcript variant (5).
Genome position (GRCh38, 1-based): chr16:2,071,819, G>T. VCF-style: chr16-2071819-G-T. GRCh37 (hg19) VCF-style: chr16-2121820-G-T.
Other names: c.380G>T, p.Gly127Val (NM_001406698.1); c.1982G>T, p.Gly661Val (NM_021055.3, NM_001077183.3, NM_001114382.3 and 6 more transcripts); c.1382G>T, p.Gly461Val (NM_001406688.1, NM_001406684.1, NM_001406685.1 and 6 more transcripts); c.638G>T, p.Gly213Val (NM_001406689.1, NM_001406690.1, NM_001406691.1 and 6 more transcripts); c.1871G>T, p.Gly624Val (NM_001318827.2, NM_001406670.1, NM_001406678.1); c.1835G>T, p.Gly612Val (NM_001318829.2, NM_001406675.1, NM_001406676.1 and 1 more transcripts); c.2015G>T, p.Gly672Val (NM_001318832.2); c.2072G>T, p.Gly691Val (NM_001406667.1, NM_001406668.1); and 3 more; short protein forms G461V, G624V, G657V, G661V, G691V, G612V, G642V, G127V.
Identifiers: ClinVar variation 2978997 (VCV002978997.3), dbSNP rs1213719461, ClinGen allele CA394274378.
Genomic context (GRCh38, chr16:2,071,819, plus strand): 5'-TCAGCTGCTTCTCTTGCTTCTGCAGGGAGCCAGAGAGAGGCTCTGAGAAGAAGACCAGCG[G>T]CCCCCTTTCTCCTCCCACAGGGCCTCCTGGCCCGGCGCCTGCAGGCCCCGCCGTGCGGCT-3'
Protein context (NP_000539.2, residues 651-671): PERGSEKKTS[Gly661Val]PLSPPTGPPG

ClinVar aggregate classification (germline): Uncertain significance (1 of 4 stars; one submission).

Conditions:
Tuberous sclerosis 2 (TSC2). Identifiers: Orphanet 805, MedGen C1860707, MONDO:0013199, OMIM 613254.

Allele frequency attached by ClinVar (database versions not stated): gnomAD exomes below 0.00001; TOPMed below 0.00001; gnomAD 0.00001.
gnomAD v4.1: 4 of 1,589,048 alleles (0.00025%); highest among the groups gnomAD compares: Non-Finnish European, 0.00034%; no homozygotes.

Submission:

Labcorp Genetics (formerly Invitae), Labcorp
Classification: Uncertain significance for Tuberous sclerosis 2. Last evaluated: 2024-12-04. Review status: criteria provided, single submitter. Criteria: Invitae Variant Classification Sherloc (09022015). Collection method: clinical testing. Allele origin: germline.
Comment: This sequence change replaces glycine, which is neutral and non-polar, with valine, which is neutral and non-polar, at codon 661 of the TSC2 protein (p.Gly661Val). This variant is not present in population databases (gnomAD no frequency). This missense change has been observed in individual(s) with clinical features of tuberous sclerosis complex (PMID: 22903760). ClinVar contains an entry for this variant (Variation ID: 2978997). Invitae Evidence Modeling of protein sequence and biophysical properties (such as structural, functional, and spatial information, amino acid conservation, physicochemical variation, residue mobility, and thermodynamic stability) indicates that this missense variant is not expected to disrupt TSC2 protein function with a negative predictive value of 95%. Experimental studies have shown that this missense change does not substantially affect TSC2 function (PMID: 22903760). Algorithms developed to predict the effect of sequence changes on RNA splicing suggest that this variant may create or strengthen a splice site. In summary, the available evidence is currently insufficient to determine the role of this variant in disease. Therefore, it has been classified as a Variant of Uncertain Significance.

Literature cited by the submitters: PubMed 22903760.